The following is an entry in ClinVar:

NM_001294.4(CLPTM1):c.1322G>A (p.Arg441Gln)

Gene: CLPTM1 (CLPTM1 regulator of GABA type A receptor forward trafficking; plus strand). Cytogenetic location: 19q13.32.
Variant type: single nucleotide variant.
Coding change: c.1322G>A on transcript NM_001294.4 (MANE Select); coding-DNA position 1322, G replaced by A.
Protein change: p.Arg441Gln; replaces arginine 441 with glutamine.
Molecular consequence: missense variant.
Genome position (GRCh38, 1-based): chr19:44,990,584, G>A. VCF-style: chr19-44990584-G-A. GRCh37 (hg19) VCF-style: chr19-45493842-G-A.
Other names: c.1280G>A, p.Arg427Gln (NM_001282175.2); c.1016G>A, p.Arg339Gln (NM_001282176.2); short protein forms R339Q, R427Q, R441Q.
Identifiers: ClinVar variation 3041608 (VCV003041608.2), dbSNP rs151296794, ClinGen allele CA9507120.

ClinVar aggregate classification (germline): Likely benign (0 of 4 stars; one submission).

Conditions:
CLPTM1-related disorder. Also called: CLPTM1-related condition.

Allele frequency attached by ClinVar (database versions not stated): TOPMed 0.00004; gnomAD 0.00011; ExAC 0.00062; 1000 Genomes Project 0.00120; 1000 Genomes Project 30x 0.00125.
gnomAD v4.1: 419 of 1,613,054 alleles (0.026%); highest among the groups gnomAD compares: South Asian, 0.36%; 3 homozygotes.

Submission:

PreventionGenetics, part of Exact Sciences
Classification: Likely benign for CLPTM1-related condition. Last evaluated: 2022-04-12. Review status: no assertion criteria provided. Collection method: clinical testing. Allele origin: germline.
Comment: This variant is classified as likely benign based on ACMG/AMP sequence variant interpretation guidelines (Richards et al. 2015 PMID: 25741868, with internal and published modifications).